The following is an entry in ClinVar:

ClinVar aggregate classification (germline): Benign/Likely benign. Review status: criteria provided, multiple submitters, no conflicts (2 of 4 stars). 3 submissions from 3 submitters: Benign (1); Likely benign (2). Last evaluated 2026-07-20.

Conditions:
Tuberous sclerosis 1 (TSC1). Identifiers: Orphanet 805, MedGen C1854465, MONDO:0008612, OMIM 191100.
Hereditary cancer-predisposing syndrome. Also called: Neoplastic Syndromes, Hereditary; Tumor predisposition; Hereditary Cancer Syndrome; Hereditary neoplastic syndrome. Identifiers: Orphanet 140162, MedGen C0027672, MeSH D009386, MONDO:0015356.

Allele frequency attached by ClinVar (database versions not stated): gnomAD exomes below 0.00001; TOPMed below 0.00001.
gnomAD v4.1: 2 of 1,614,228 alleles (0.00012%); highest among the groups gnomAD compares: African/African-American, 0.0027%; no homozygotes.

Submissions (3):

Ambry Genetics
Classification: Likely benign for Hereditary cancer-predisposing syndrome. Last evaluated: 2026-07-20. Review status: criteria provided, single submitter. Criteria: Ambry Variant Classification Scheme 2023. Collection method: clinical testing. Allele origin: germline.

Labcorp Genetics (formerly Invitae), Labcorp
Classification: Likely benign for Tuberous sclerosis 1. Last evaluated: 2025-10-20. Review status: criteria provided, single submitter. Criteria: Invitae Variant Classification Sherloc (09022015). Collection method: clinical testing. Allele origin: germline.

Myriad Genetics, Inc.
Classification: Benign for Tuberous sclerosis 1. Last evaluated: 2025-04-30. Review status: criteria provided, single submitter. Criteria: Myriad Autosomal Dominant, Autosomal Recessive and X-Linked Classification Criteria (2023). Collection method: clinical testing. Allele origin: unknown.
Comment: This variant is considered benign. This variant is a silent/synonymous amino acid change and it is not expected to impact splicing.

NM_000368.5(TSC1):c.3216C>G (p.Ala1072=)

Gene: TSC1 (TSC complex subunit 1; minus strand). Cytogenetic location: 9q34.13.
Variant type: single nucleotide variant.
Coding change: c.3216C>G on transcript NM_000368.5 (MANE Select); coding-DNA position 3216, C replaced by G.
Protein change: p.Ala1072=; no amino-acid change (alanine 1072 retained).
Molecular consequence: synonymous variant.
Genome position (GRCh38, 1-based): chr9:132,896,514, G>C on the plus strand (C>G on the coding strand, the complement: TSC1 is on the minus strand). VCF-style: chr9-132896514-G-C. GRCh37 (hg19) VCF-style: chr9-135771901-G-C.
Other names: c.3213C>G, p.Ala1071= (NM_001162426.2); c.3063C>G, p.Ala1021= (NM_001162427.2); c.2853C>G, p.Ala951= (NM_001362177.2); c.3216C>G (NM_000368.4).
Identifiers: ClinVar variation 1153620 (VCV001153620.11), dbSNP rs118203747, ClinGen allele CA467812719.